The following is an entry in ClinVar:

ClinVar aggregate classification (germline): Uncertain significance (1 of 4 stars; one submission).

gnomAD v4.1: 8 of 1,613,754 alleles (0.0005%); highest among the groups gnomAD compares: African/African-American, 0.0013%; no homozygotes.

Submission:

GeneDx
Classification: Uncertain significance. Last evaluated: 2026-04-03. Review status: criteria provided, single submitter. Criteria: GeneDx Variant Classification Process June 2021. Collection method: clinical testing. Allele origin: germline.
Comment: Not observed at significant frequency in large population cohorts (gnomAD); In silico analysis supports that this missense variant has a deleterious effect on protein structure/function; Reported as heterozygous in an individual in a large cohort of patients with autosomal optic neuropathy; patient specific details not provided (PMID: 33841295); This variant is associated with the following publications: (PMID: 33841295)

NM_006796.3(AFG3L2):c.779C>T (p.Thr260Met)

Gene: AFG3L2 (AFG3 like matrix AAA peptidase subunit 2; minus strand). Cytogenetic location: 18p11.21.
Variant type: single nucleotide variant.
Coding change: c.779C>T on transcript NM_006796.3 (MANE Select); coding-DNA position 779, C replaced by T.
Protein change: p.Thr260Met; replaces threonine 260 with methionine.
Molecular consequence: missense variant.
Genome position (GRCh38, 1-based): chr18:12,358,917, G>A on the plus strand (C>T on the coding strand, the complement: AFG3L2 is on the minus strand). VCF-style: chr18-12358917-G-A. GRCh37 (hg19) VCF-style: chr18-12358916-G-A.
Other names: short protein forms T260M.
Identifiers: ClinVar variation 5016751 (VCV005016751.1).